The following is an entry in ClinVar:

ClinVar aggregate classification (germline): Likely pathogenic (1 of 4 stars; one submission).

Submission:

Quest Diagnostics Nichols Institute San Juan Capistrano
Classification: Likely pathogenic. Last evaluated: 2024-03-15. Review status: criteria provided, single submitter. Criteria: ACMG/ClinGen CNV Guidelines, 2019. Collection method: clinical testing. Allele origin: unknown.
Comment: This loss involves at least 35 protein-coding genes and partially overlaps the 3q24 region (Rehm 2015). Deletions similar to or partially overlapping the current interval have been reported in individuals with a number of clinical phenotypes (Ciaccio 2020, Inzaghi 2022). There are no similar copy number losses of this region in the general populations of the Database of Genomic Variants. Therefore, based on gene content and current medical literature, this copy number variant (CNV) is classified as likely pathogenic. References: Ciaccio et al., Cerebellum. 2020 Oct;19(5):629-635. PMID: 32472476; Inzaghi et al., J Endocrinol Invest. 2022 Jan;45(1):79-87. PMID: 34255311; Rehm et al., N Engl J Med. 2015 Jun 4;372(23):2235-42. PMID: 26014595

GRCh37/hg19 3q24-25.1(chr3:146504503-151662391)x1

Genes: P2RY12 (purinergic receptor P2Y12; minus strand), P2RY13 (purinergic receptor P2Y13; minus strand), P2RY14 (purinergic receptor P2Y14; minus strand), SIAH2 (siah E3 ubiquitin protein ligase 2; minus strand), PFN2 (profilin 2; minus strand) and 30 more. Cytogenetic location: 3q24-25.1.
Variant type: copy number loss.
Change: copy number 1 (one copy instead of two) of chr3:146,504,503-151,662,391 (5.16 Mb, GRCh37 coordinates, 1-based), cytogenetic band 3q24-25.1.
Identifiers: ClinVar variation 3391828 (VCV003391828.1).